The following is an entry in ClinVar:

ClinVar aggregate classification (germline): Pathogenic/Likely pathogenic. Review status: criteria provided, multiple submitters, no conflicts (2 of 4 stars). 3 submissions from 3 submitters: Pathogenic (2); Likely pathogenic (1). Last evaluated 2024-07-10.

Conditions:
Intellectual developmental disorder with seizures and language delay (IDDSELD). Identifiers: MedGen C5436574, MONDO:0033559, OMIM 619000.

Submissions (3):

Institute of Immunology and Genetics Kaiserslautern
Classification: Pathogenic for Intellectual developmental disorder with seizures and language delay. Last evaluated: 2024-07-10. Review status: criteria provided, single submitter. Criteria: ACMG Guidelines, 2015. Collection method: clinical testing. Allele origin: de novo. Affected: yes.
Comment: ACMG Criteria:PVS1, PS2, PM2; Variant was found in heterozygous state. De novo-status was confirmed via in-house segregation analysis.

Institute of Human Genetics, University of Leipzig Medical Center
Classification: Likely pathogenic for Intellectual developmental disorder with seizures and language delay. Last evaluated: 2024-04-11. Review status: criteria provided, single submitter. Criteria: ACMG Guidelines, 2015. Collection method: clinical testing. Allele origin: unknown. Inheritance: Autosomal dominant inheritance. Affected: yes.
Comment: Criteria applied: PVS1,PM2_SUP

GeneDx
Classification: Pathogenic. Last evaluated: 2024-02-09. Review status: criteria provided, single submitter. Criteria: GeneDx Variant Classification Process June 2021. Collection method: clinical testing. Allele origin: germline. Affected: yes.
Comment: Nonsense variant predicted to result in protein truncation or nonsense mediated decay in a gene for which loss of function is a known mechanism of disease; Not observed at significant frequency in large population cohorts (gnomAD); Has not been previously published as pathogenic or benign to our knowledge

NM_001353345.2(SETD1B):c.5107C>T (p.Arg1703Ter)

Gene: SETD1B (SET domain containing 1B, histone lysine methyltransferase; plus strand). Cytogenetic location: 12q24.31.
Variant type: single nucleotide variant.
Coding change: c.5107C>T on transcript NM_001353345.2 (MANE Select); coding-DNA position 5107, C replaced by T.
Protein change: p.Arg1703Ter; replaces arginine 1703 with a stop codon.
Molecular consequence: nonsense.
Genome position (GRCh38, 1-based): chr12:121,823,686, C>T. VCF-style: chr12-121823686-C-T. GRCh37 (hg19) VCF-style: chr12-122261592-C-T.
Other names: c.5107C>T (NM_001353345.1); short protein forms R1703*.
Identifiers: ClinVar variation 3257730 (VCV003257730.4).